The following is an entry in ClinVar:

ClinVar aggregate classification (germline): Uncertain significance (1 of 4 stars; one submission).

Conditions:
Leigh syndrome (NULS). Also called: Leigh's necrotizing encephalopathy; Leigh's disease; Leigh Syndrome (mtDNA deletion); Leigh Disease; Subacute necrotizing encephalopathy; Necrotizing encephalopathy infantile subacute of Leigh. Identifiers: Orphanet 506, MedGen C2931891, MONDO:0009723, OMIM 256000.

Submission:

Wong Mito Lab, Molecular and Human Genetics, Baylor College of Medicine
Classification: Uncertain significance for Leigh syndrome. Last evaluated: 2019-10-17. Review status: criteria provided, single submitter. Criteria: Modified ACMG Guidelines (Unpublished). Collection method: clinical testing. Allele origin: germline.
Comment: The NC_012920.1:m.6550A>G (YP_003024028.1:p.Asn216Ser) variant in MTCO1 gene is interpretated to be a Uncertain Significance variant based on the modified ACMG guidelines (unpublished). This variant meets the following evidence codes: PP7

NC_012920.1(MT-CO1):m.6550A>G

Gene: MT-CO1 (mitochondrially encoded cytochrome c oxidase I; plus strand).
Variant type: single nucleotide variant.
Genome position: chrM-6550-A-G.
Identifiers: ClinVar variation 692659 (VCV000692659.1), dbSNP rs1603220532, ClinGen allele CA414784697.